The following is an entry in ClinVar:

ClinVar aggregate classification (germline): Likely benign. Review status: criteria provided, multiple submitters, no conflicts (2 of 4 stars). 2 submissions from 2 submitters: Likely benign (2). Last evaluated 2024-09-23.

Conditions:
Cardiomyopathy (CMYO). Also called: Cardiomyopathies. Identifiers: Orphanet 167848, MedGen C0878544, MONDO:0004994, HP:0001638. Inheritance: Various modes of inheritance.
Arrhythmogenic right ventricular cardiomyopathy (ARVD). Also called: Arrhythmogenic cardiomyopathy; Cardiomyopathy, ARVC; Arrhythmogenic right ventricular dysplasia; Arrhythmogenic Right Ventricular Cardiomyopathy (ARVC). Identifiers: Orphanet 247, MedGen C0349788, MeSH D019571, MONDO:0016587. Disease mechanism: loss of function. Inheritance: Various modes of inheritance.

Allele frequency attached by ClinVar (database versions not stated): gnomAD exomes below 0.00001 and 0.00002; gnomAD 0.00001; ExAC 0.00004.
gnomAD v4.1: 5 of 1,614,074 alleles (0.00031%); highest among the groups gnomAD compares: East Asian, 0.011%; no homozygotes.

Submissions (2):

All of Us Research Program, National Institutes of Health
Classification: Likely benign for Arrhythmogenic right ventricular cardiomyopathy. Last evaluated: 2024-09-23. Review status: criteria provided, single submitter. Criteria: ACMG Guidelines, 2015. Collection method: clinical testing. Allele origin: germline. Inheritance: Autosomal dominant inheritance. Observed: 1 variant allele, 1 heterozygote.
Comment: This study involves interpretation of variants in research participants for the purpose of population health screening. Participant phenotype was not available at the time of variant classification. Additional details can be found in publication PMID: 35346344, PMCID: PMC8962531

Color Diagnostics, LLC DBA Color Health
Classification: Likely benign for Cardiomyopathy. Last evaluated: 2018-04-28. Review status: criteria provided, single submitter. Criteria: ACMG Guidelines, 2015. Collection method: clinical testing. Allele origin: germline.

NM_001005242.3(PKP2):c.741G>C (p.Gly247=)

Gene: PKP2 (plakophilin 2; minus strand). Cytogenetic location: 12p11.21.
Variant type: single nucleotide variant.
Coding change: c.741G>C on transcript NM_001005242.3 (MANE Select); coding-DNA position 741, G replaced by C.
Protein change: p.Gly247=; no amino-acid change (glycine 247 retained).
Molecular consequence: synonymous variant.
Genome position (GRCh38, 1-based): chr12:32,878,139, C>G on the plus strand (G>C on the coding strand, the complement: PKP2 is on the minus strand). VCF-style: chr12-32878139-C-G. GRCh37 (hg19) VCF-style: chr12-33031073-C-G.
Other names: c.741G>C, p.Gly247= (NM_004572.4).
Identifiers: ClinVar variation 630097 (VCV000630097.3), dbSNP rs762366326, ClinGen allele CA038597.